The following is an entry in ClinVar:

NM_001194.4(HCN2):c.1855A>T (p.Thr619Ser)

Gene: HCN2 (hyperpolarization activated cyclic nucleotide gated potassium and sodium channel 2; plus strand). Cytogenetic location: 19p13.3.
Variant type: single nucleotide variant.
Coding change: c.1855A>T on transcript NM_001194.4 (MANE Select); coding-DNA position 1855, A replaced by T.
Protein change: p.Thr619Ser; replaces threonine 619 with serine.
Molecular consequence: missense variant.
Genome position (GRCh38, 1-based): chr19:613,881, A>T. VCF-style: chr19-613881-A-T. GRCh37 (hg19) VCF-style: chr19-613881-A-T.
Other names: short protein forms T619S.
Identifiers: ClinVar variation 2273437 (VCV002273437.3), dbSNP rs1244430704, ClinGen allele CA402882677.
Genomic context (GRCh38, chr19:613,881, plus strand): 5'-CCAGCAACCCCCCCCTGCGCGCCACGTGCAGAGATCTGCCTGCTCACCCGGGGCCGCCGC[A>T]CGGCGAGCGTGCGGGCTGACACCTACTGCCGCCTCTATTCGCTGAGCGTGGACAACTTCA-3'
Protein context (NP_001185.3, residues 609-629): EICLLTRGRR[Thr619Ser]ASVRADTYCR

ClinVar aggregate classification (germline): Uncertain significance (1 of 4 stars; one submission).

Conditions:
Inborn genetic diseases. Identifiers: MedGen C0950123, MeSH D030342.

Allele frequency attached by ClinVar (database versions not stated): gnomAD 0.00001; TOPMed below 0.00001.

Submission:

Ambry Genetics
Classification: Uncertain significance for Inborn genetic diseases. Last evaluated: 2026-04-24. Review status: criteria provided, single submitter. Criteria: Ambry Variant Classification Scheme 2023. Collection method: clinical testing. Allele origin: germline.
Comment: The c.1855A>T (p.T619S) alteration is located in exon 7 (coding exon 7) of the HCN2 gene. This alteration results from a A to T substitution at nucleotide position 1855, causing the threonine (T) at amino acid position 619 to be replaced by a serine (S). Based on data from gnomAD, the T allele has an overall frequency of 0.003% (1/31022) total alleles studied. The highest observed frequency was 0.012% (1/8616) of African alleles. Based on insufficient or conflicting evidence, the clinical significance of this alteration remains unclear.